The following is an entry in ClinVar:

ClinVar aggregate classification (germline): Uncertain significance. Review status: criteria provided, multiple submitters, no conflicts (2 of 4 stars). 2 submissions from 2 submitters: Uncertain significance (2). Last evaluated 2025-02-05.

Conditions:
Colorectal cancer, hereditary nonpolyposis, type 7. Identifiers: Orphanet 144, MedGen C1858380, MONDO:0013725, OMIM 614385.

Allele frequency attached by ClinVar (database versions not stated): gnomAD exomes 0.00001; ExAC 0.00002; gnomAD 0.00002; 1000 Genomes Project 30x 0.00016; 1000 Genomes Project 0.00020.
gnomAD v4.1: 15 of 1,612,982 alleles (0.00093%); highest among the groups gnomAD compares: South Asian, 0.0099%; no homozygotes.

Submissions (2):

Labcorp Genetics (formerly Invitae), Labcorp
Classification: Uncertain significance for Colorectal cancer, hereditary nonpolyposis, type 7. Last evaluated: 2025-02-05. Review status: criteria provided, single submitter. Criteria: Invitae Variant Classification Sherloc (09022015). Collection method: clinical testing. Allele origin: germline.
Comment: This sequence change replaces arginine, which is basic and polar, with cysteine, which is neutral and slightly polar, at codon 1152 of the MLH3 protein (p.Arg1152Cys). This variant is present in population databases (rs569011240, gnomAD 0.006%). This variant has not been reported in the literature in individuals affected with MLH3-related conditions. ClinVar contains an entry for this variant (Variation ID: 2054561). An algorithm developed to predict the effect of missense changes on protein structure and function (PolyPhen-2) suggests that this variant is likely to be tolerated. In summary, the available evidence is currently insufficient to determine the role of this variant in disease. Therefore, it has been classified as a Variant of Uncertain Significance.

Ambry Genetics
Classification: Uncertain significance. Last evaluated: 2024-01-16. Review status: criteria provided, single submitter. Criteria: Ambry Variant Classification Scheme 2023. Collection method: clinical testing. Allele origin: germline.
Comment: The p.R1152C variant (also known as c.3454C>T), located in coding exon 3 of the MLH3 gene, results from a C to T substitution at nucleotide position 3454. The arginine at codon 1152 is replaced by cysteine, an amino acid with highly dissimilar properties. This amino acid position is well conserved in available vertebrate species. In addition, this alteration is predicted to be deleterious by in silico analysis. The evidence for this gene-disease relationship is limited; therefore, the clinical significance of this alteration is unclear.

NM_001040108.2(MLH3):c.3454C>T (p.Arg1152Cys)

Gene: MLH3 (mutL homolog 3; minus strand). Cytogenetic location: 14q24.3.
Variant type: single nucleotide variant.
Coding change: c.3454C>T on transcript NM_001040108.2 (MANE Select); coding-DNA position 3454, C replaced by T.
Protein change: p.Arg1152Cys; replaces arginine 1152 with cysteine.
Molecular consequence: missense variant.
Genome position (GRCh38, 1-based): chr14:75,041,626, G>A on the plus strand (C>T on the coding strand, the complement: MLH3 is on the minus strand). VCF-style: chr14-75041626-G-A. GRCh37 (hg19) VCF-style: chr14-75508329-G-A.
Other names: c.3454C>T, p.Arg1152Cys (NM_014381.3); short protein forms R1152C.
Identifiers: ClinVar variation 2054561 (VCV002054561.5), dbSNP rs569011240, ClinGen allele CA7275496.